The following is an entry in ClinVar:

NM_031418.4(ANO3):c.2945_2946delinsGC (p.Ter982Cys)

Gene: ANO3 (anoctamin 3; plus strand). Cytogenetic location: 11p14.2.
Variant type: Indel.
Coding change: c.2945_2946delinsGC on transcript NM_031418.4 (MANE Select); coding-DNA positions 2945 to 2946, AG replaced by GC.
Protein change: p.Ter982Cys.
Molecular consequence: stop lost.
Genome position (GRCh38, 1-based): chr11:26,660,443-26,660,444, AG replaced by GC. VCF-style: chr11-26660443-AG-GC. GRCh37 (hg19) VCF-style: chr11-26681990-AG-GC.
Other names: c.3128_3129delinsGC, p.Ter1043Cys (NM_001313726.2); c.2507_2508delinsGC, p.Ter836Cys (NM_001313727.2).
Identifiers: ClinVar variation 3369063 (VCV003369063.1).

ClinVar aggregate classification (germline): Uncertain significance (1 of 4 stars; one submission).

Submission:

GeneDx
Classification: Uncertain significance. Last evaluated: 2024-02-09. Review status: criteria provided, single submitter. Criteria: GeneDx Variant Classification Process June 2021. Collection method: clinical testing. Allele origin: germline. Affected: yes.
Comment: Stop codon loss and change to a Tyr codon, leading to protein extension and the addition of 7 amino acids at the C-terminus; Not observed at significant frequency in large population cohorts (gnomAD); Has not been previously published as pathogenic or benign to our knowledge